The following is an entry in ClinVar:

ClinVar aggregate classification (germline): Uncertain significance. Review status: criteria provided, multiple submitters, no conflicts (2 of 4 stars). 3 submissions from 3 submitters: Uncertain significance (3). Last evaluated 2025-04-21.

Conditions:
Age related macular degeneration 1 (ARMD1). Also called: MACULOPATHY, AGE-RELATED, 1. Identifiers: MedGen C1864205, MONDO:0011285, OMIM 603075.

Allele frequency attached by ClinVar (database versions not stated): ExAC 0.00007; gnomAD 0.00007 and 0.00008; gnomAD exomes 0.00007; ESP Exome Variant Server 0.00008; TOPMed 0.00011.
gnomAD v4.1: 317 of 1,610,662 alleles (0.02%); highest among the groups gnomAD compares: Non-Finnish European, 0.025%; no homozygotes.

Submissions (3):

Labcorp Genetics (formerly Invitae), Labcorp
Classification: Uncertain significance. Last evaluated: 2025-04-21. Review status: criteria provided, single submitter. Criteria: Invitae Variant Classification Sherloc (09022015). Collection method: clinical testing. Allele origin: germline.
Comment: This sequence change replaces arginine, which is basic and polar, with cysteine, which is neutral and slightly polar, at codon 2171 of the HMCN1 protein (p.Arg2171Cys). This variant is present in population databases (rs41317477, gnomAD 0.02%). This variant has not been reported in the literature in individuals affected with HMCN1-related conditions. ClinVar contains an entry for this variant (Variation ID: 294174). An algorithm developed to predict the effect of missense changes on protein structure and function (PolyPhen-2) suggests that this variant is likely to be disruptive. In summary, the available evidence is currently insufficient to determine the role of this variant in disease. Therefore, it has been classified as a Variant of Uncertain Significance.

Genome-Nilou Lab
Classification: Uncertain significance for Age related macular degeneration 1. Last evaluated: 2023-04-11. Review status: criteria provided, single submitter. Criteria: ACMG Guidelines, 2015. Collection method: clinical testing. Allele origin: germline. Affected: no.

Illumina Laboratory Services, Illumina
Classification: Uncertain significance for Age related macular degeneration 1. Last evaluated: 2018-01-12. Review status: criteria provided, single submitter. Criteria: ICSL Variant Classification Criteria 13 December 2019. Collection method: clinical testing. Allele origin: germline.

NM_031935.3(HMCN1):c.6511C>T (p.Arg2171Cys)

Gene: HMCN1 (hemicentin 1; plus strand). Cytogenetic location: 1q31.1.
Variant type: single nucleotide variant.
Coding change: c.6511C>T on transcript NM_031935.3 (MANE Select); coding-DNA position 6511, C replaced by T.
Protein change: p.Arg2171Cys; replaces arginine 2171 with cysteine.
Molecular consequence: missense variant.
Genome position (GRCh38, 1-based): chr1:186,048,773, C>T. VCF-style: chr1-186048773-C-T. GRCh37 (hg19) VCF-style: chr1-186017905-C-T.
Other names: short protein forms R2171C.
Identifiers: ClinVar variation 294174 (VCV000294174.10), dbSNP rs41317477, ClinGen allele CA1292596.